The following is an entry in ClinVar:

NM_001367479.1(DNAH14):c.442C>G (p.Gln148Glu)

Gene: DNAH14 (dynein axonemal heavy chain 14; plus strand). Cytogenetic location: 1q42.12.
Variant type: single nucleotide variant.
Coding change: c.442C>G on transcript NM_001367479.1 (MANE Select); coding-DNA position 442, C replaced by G.
Protein change: p.Gln148Glu; replaces glutamine 148 with glutamic acid.
Molecular consequence: missense variant.
Genome position (GRCh38, 1-based): chr1:224,964,553, C>G. VCF-style: chr1-224964553-C-G. GRCh37 (hg19) VCF-style: chr1-225152255-C-G.
Other names: NM_001373.1:c.442C>G; c.442C>G, p.Gln148Glu (NM_001145154.3, NM_001349911.2, NM_001367481.1 and 1 more transcripts); c.292C>G, p.Gln98Glu (NM_001349912.2); short protein forms Q148E, Q98E.
Identifiers: ClinVar variation 3368779 (VCV003368779.2).
Genomic context (GRCh38, chr1:224,964,553, plus strand): 5'-GATGTGATAAGAAATATTATTAGGCTACGAGAAAAGCTTGGTTGGCAAACTATATTACCG[C>G]AGCACAGTTTGAAATACGGAAGCTCCAAAATTGCAATTCAGAAGATTACTTTAAAGGTAT-3'
Protein context (NP_001354408.1, residues 138-158): EKLGWQTILP[Gln148Glu]HSLKYGSSKI

ClinVar aggregate classification (germline): Uncertain significance. Review status: criteria provided, multiple submitters, no conflicts (2 of 4 stars). 2 submissions from 2 submitters: Uncertain significance (2). Last evaluated 2024-11-10.

gnomAD v4.1: 21 of 1,608,282 alleles (0.0013%); highest among the groups gnomAD compares: Admixed American, 0.027%; no homozygotes.

Submissions (2):

Ambry Genetics
Classification: Uncertain significance. Last evaluated: 2024-11-10. Review status: criteria provided, single submitter. Criteria: Ambry Variant Classification Scheme 2023. Collection method: clinical testing. Allele origin: germline.

GeneDx
Classification: Uncertain significance. Last evaluated: 2024-02-12. Review status: criteria provided, single submitter. Criteria: GeneDx Variant Classification Process June 2021. Collection method: clinical testing. Allele origin: germline. Affected: yes.
Comment: In silico analysis supports that this missense variant does not alter protein structure/function; Has not been previously published as pathogenic or benign to our knowledge